The following is an entry in ClinVar:

ClinVar aggregate classification (germline): Uncertain significance (1 of 4 stars; one submission).

Conditions:
Ullrich congenital muscular dystrophy 2 (UCMD2). Identifiers: Orphanet 75840, MedGen C4225314, MONDO:0014654, OMIM 616470.
Bethlem myopathy 2 (BTHLM2). Identifiers: Orphanet 536516, Orphanet 610, MedGen C4225313, MONDO:0034022, OMIM 616471.

Submission:

Labcorp Genetics (formerly Invitae), Labcorp
Classification: Uncertain significance for Bethlem myopathy 2; Ullrich congenital muscular dystrophy 2. Last evaluated: 2020-03-09. Review status: criteria provided, single submitter. Criteria: Invitae Variant Classification Sherloc (09022015). Collection method: clinical testing. Allele origin: germline.
Comment: This sequence change replaces threonine with lysine at codon 2167 of the COL12A1 protein (p.Thr2167Lys). The threonine residue is moderately conserved and there is a moderate physicochemical difference between threonine and lysine. This variant is not present in population databases (ExAC no frequency). This variant has not been reported in the literature in individuals with COL12A1-related conditions. Algorithms developed to predict the effect of missense changes on protein structure and function are either unavailable or do not agree on the potential impact of this missense change (SIFT: "Deleterious"; PolyPhen-2: "Benign"; Align-GVGD: "Class C0"). In summary, the available evidence is currently insufficient to determine the role of this variant in disease. Therefore, it has been classified as a Variant of Uncertain Significance.

NM_004370.6(COL12A1):c.6500C>A (p.Thr2167Lys)

Gene: COL12A1 (collagen type XII alpha 1 chain; minus strand). Cytogenetic location: 6q13.
Variant type: single nucleotide variant.
Coding change: c.6500C>A on transcript NM_004370.6 (MANE Select); coding-DNA position 6500, C replaced by A.
Protein change: p.Thr2167Lys; replaces threonine 2167 with lysine.
Molecular consequence: missense variant.
Genome position (GRCh38, 1-based): chr6:75,125,234, G>T on the plus strand (C>A on the coding strand, the complement: COL12A1 is on the minus strand). VCF-style: chr6-75125234-G-T. GRCh37 (hg19) VCF-style: chr6-75834950-G-T.
Other names: c.3008C>A, p.Thr1003Lys (NM_080645.3); short protein forms T1003K, T2167K.
Identifiers: ClinVar variation 1061331 (VCV001061331.9), dbSNP rs2149375589, ClinGen allele CA364729490.
Genomic context (GRCh38, chr6:75,125,234, plus strand): 5'-TGAGCATAAACATTCACATCGTAGGTGGTGCTGGGATTGAGATTGTGTAAGGTATATGAT[G>T]TCATTTCTCCAACAAAGGCTTCCATGGGCTCATTGGAACCTTTATTAACAACCACAAAAA-3'
Protein context (NP_004361.3, residues 2157-2177): EPMEAFVGEM[Thr2167Lys]SYTLHNLNPS